The following is an entry in ClinVar:

NM_000256.3(MYBPC3):c.927-13C>G

Gene: MYBPC3 (myosin binding protein C3; minus strand). Cytogenetic location: 11p11.2.
Variant type: single nucleotide variant.
Coding change: c.927-13C>G on transcript NM_000256.3 (MANE Select); 13 bases into the intron before coding-DNA position 927, C replaced by G.
Molecular consequence: intron variant.
Genome position (GRCh38, 1-based): chr11:47,346,383, G>C on the plus strand (C>G on the coding strand, the complement: MYBPC3 is on the minus strand). VCF-style: chr11-47346383-G-C. GRCh37 (hg19) VCF-style: chr11-47367934-G-C.
Identifiers: ClinVar variation 2843397 (VCV002843397.3), dbSNP rs2495771332, ClinGen allele CA2739265953.

ClinVar aggregate classification (germline): Uncertain significance (1 of 4 stars; one submission).

Conditions:
Hypertrophic cardiomyopathy. Also called: HYPERTROPHIC MYOCARDIOPATHY. Identifiers: Orphanet 217569, MedGen C0007194, MeSH D002312, MONDO:0005045, HP:0001639.

Submission:

Labcorp Genetics (formerly Invitae), Labcorp
Classification: Uncertain significance for Hypertrophic cardiomyopathy. Last evaluated: 2023-03-07. Review status: criteria provided, single submitter. Criteria: Invitae Variant Classification Sherloc (09022015). Collection method: clinical testing. Allele origin: germline.
Comment: This sequence change falls in intron 11 of the MYBPC3 gene. It does not directly change the encoded amino acid sequence of the MYBPC3 protein. This variant is not present in population databases (gnomAD no frequency). This variant has not been reported in the literature in individuals affected with MYBPC3-related conditions. Algorithms developed to predict the effect of sequence changes on RNA splicing suggest that this variant may disrupt the consensus splice site. In summary, the available evidence is currently insufficient to determine the role of this variant in disease. Therefore, it has been classified as a Variant of Uncertain Significance.